The following is an entry in ClinVar:

NM_005585.5(SMAD6):c.2T>A (p.Met1Lys)

Gene: SMAD6 (SMAD family member 6; plus strand). Cytogenetic location: 15q22.31.
Variant type: single nucleotide variant.
Coding change: c.2T>A on transcript NM_005585.5 (MANE Select); coding-DNA position 2, T replaced by A.
Protein change: p.Met1Lys; changes the start codon (methionine 1).
Molecular consequence: missense variant, initiator codon variant. On other transcripts: non-coding transcript variant (1).
Genome position (GRCh38, 1-based): chr15:66,703,260, T>A. VCF-style: chr15-66703260-T-A. GRCh37 (hg19) VCF-style: chr15-66995598-T-A.
Other names: short protein forms M1K.
Identifiers: ClinVar variation 2170867 (VCV002170867.5), dbSNP rs1409145798, ClinGen allele CA392948212.

ClinVar aggregate classification (germline): Uncertain significance (1 of 4 stars; one submission).

Conditions:
Aortic valve disease 2 (AOVD2). Identifiers: MedGen C3542024, MONDO:0013902, OMIM 614823.

Submission:

Labcorp Genetics (formerly Invitae), Labcorp
Classification: Uncertain significance for Aortic valve disease 2. Last evaluated: 2022-10-17. Review status: criteria provided, single submitter. Criteria: Invitae Variant Classification Sherloc (09022015). Collection method: clinical testing. Allele origin: germline.
Comment: This sequence change affects the initiator methionine of the SMAD6 mRNA. The next in-frame methionine is located at codon 93. This variant is not present in population databases (gnomAD no frequency). Disruption of the initiator codon has been observed in individual(s) with craniosynostosis (PMID: 28808027). Algorithms developed to predict the effect of sequence changes on RNA splicing suggest that this variant may create or strengthen a splice site. In summary, the available evidence is currently insufficient to determine the role of this variant in disease. Therefore, it has been classified as a Variant of Uncertain Significance.

Literature cited by the submitters: PubMed 28808027.